The following is an entry in ClinVar:

NM_144997.7(FLCN):c.1616_1641del (p.Leu539fs)

Gene: FLCN (folliculin; minus strand). Cytogenetic location: 17p11.2.
Variant type: Deletion.
Coding change: c.1616_1641del on transcript NM_144997.7 (MANE Select); coding-DNA positions 1616 to 1641, 26 bases deleted (TGGGTGCGTCCGAGGAGGACAATGTC).
Protein change: p.Leu539fs; shifts the reading frame from leucine 539.
Molecular consequence: frameshift variant.
Genome position (GRCh38, 1-based): chr17:17,213,754-17,213,779, GACATTGTCCTCCTCGGACGCACCCA deleted on the plus strand (TGGGTGCGTCCGAGGAGGACAATGTC on the coding strand, the reverse complement: FLCN is on the minus strand); deleting any 26 consecutive bases within chr17:17,213,754-17,213,780 gives the same sequence; the c. name uses the placement nearest the transcript's 3' end. VCF-style (leftmost placement, unchanged base first): chr17-17213753-TGACATTGTCCTCCTCGGACGCACCCA-T. GRCh37 (hg19) VCF-style: chr17-17117067-TGACATTGTCCTCCTCGGACGCACCCA-T.
Other names: c.1670_1695del, p.Leu557fs (NM_001353229.2); c.1616_1641del, p.Leu539fs (NM_001353230.2, NM_001353231.2); short protein forms L539fs, L557fs.
Identifiers: ClinVar variation 3721785 (VCV003721785.2).

ClinVar aggregate classification (germline): Pathogenic (1 of 4 stars; one submission).

Conditions:
Birt-Hogg-Dube syndrome. Also called: Birt Hogg Dubé syndrome. Identifiers: Orphanet 122, MedGen C0346010, MONDO:0800444.

Submission:

Labcorp Genetics (formerly Invitae), Labcorp
Classification: Pathogenic for Birt-Hogg-Dube syndrome. Last evaluated: 2024-09-29. Review status: criteria provided, single submitter. Criteria: Invitae Variant Classification Sherloc (09022015). Collection method: clinical testing. Allele origin: germline.
Comment: This sequence change results in a frameshift in the FLCN gene (p.Leu539Glnfs*54). While this is not anticipated to result in nonsense mediated decay, it is expected to disrupt the last 41 amino acid(s) of the FLCN protein and extend the protein by 12 additional amino acid residues. This variant is not present in population databases (gnomAD no frequency). This variant has not been reported in the literature in individuals affected with FLCN-related conditions. This variant disrupts a region of the FLCN protein in which other variant(s) (p.Trp553Arg) have been determined to be pathogenic (external communications, internal data). This suggests that this is a clinically significant region of the protein, and that variants that disrupt it are likely to be disease-causing. For these reasons, this variant has been classified as Pathogenic.